The following is an entry in ClinVar:

NC_000002.11:g.(?_135809878)_(135926351_?)del

Gene: RAB3GAP1 (RAB3 GTPase activating protein catalytic subunit 1; plus strand). Cytogenetic location: 2q21.3.
Variant type: Deletion.
Identifiers: ClinVar variation 3247542 (VCV003247542.1).

ClinVar aggregate classification (germline): Pathogenic (1 of 4 stars; one submission).

Submission:

Labcorp Genetics (formerly Invitae), Labcorp
Classification: Pathogenic. Last evaluated: 2022-12-06. Review status: criteria provided, single submitter. Criteria: Invitae Variant Classification Sherloc (09022015). Collection method: clinical testing. Allele origin: unknown.
Comment: For these reasons, this variant has been classified as Pathogenic. This variant has not been reported in the literature in individuals affected with RAB3GAP1-related conditions. A gross deletion of the genomic region encompassing the full coding sequence of the RAB3GAP1 gene has been identified. Loss-of-function variants in RAB3GAP1 are known to be pathogenic (PMID: 23420520). The boundaries of this event are unknown as they extend beyond the assayed region for this gene and therefore may encompass additional genes.

Literature cited by the submitters: PubMed 23420520.